The following is an entry in ClinVar:

NM_033100.4(CDHR1):c.1344C>T (p.Thr448=)

Gene: CDHR1 (cadherin related family member 1; plus strand). Cytogenetic location: 10q23.1.
Variant type: single nucleotide variant.
Coding change: c.1344C>T on transcript NM_033100.4 (MANE Select); coding-DNA position 1344, C replaced by T.
Protein change: p.Thr448=; no amino-acid change (threonine 448 retained).
Molecular consequence: synonymous variant.
Genome position (GRCh38, 1-based): chr10:84,211,024, C>T. VCF-style: chr10-84211024-C-T. GRCh37 (hg19) VCF-style: chr10-85970780-C-T.
Other names: c.1344C>T, p.Thr448= (NM_001171971.3).
Identifiers: ClinVar variation 301238 (VCV000301238.19), dbSNP rs542195636, ClinGen allele CA5579916.
Genomic context (GRCh38, chr10:84,211,024, plus strand): 5'-CCTACCCAGACAAGTCCCCATTTTCCCCCCTTCCCAGCTCCTGGCTGTTGAAGTGAACAC[C>T]CCAGAGAAGTTCAGTTCCACAGCGGATGTTGTGATCCAGCTCCTGGACACCAATGACAAT-3'
Protein context (NP_149091.1, residues 438-458): TFKLLAVEVN[Thr448=]PEKFSSTADV

ClinVar aggregate classification (germline): Conflicting classifications of pathogenicity. Review status: criteria provided, conflicting classifications (1 of 4 stars). 6 submissions from 6 submitters: Uncertain significance (1); Benign (1); Likely benign (1). 3 of the submissions do not count toward it. Last evaluated 2025-10-14.

Conditions:
CDHR1-related disorder. Also called: CDHR1-related condition.
Cone-rod dystrophy 15 (CORD15). Identifiers: MedGen C3150912, MONDO:0013348, OMIM 613660.

Allele frequency attached by ClinVar (database versions not stated): gnomAD below 0.00001 and 0.00017; TOPMed 0.00004; gnomAD exomes 0.00035 and 0.00076; ExAC 0.00071; 1000 Genomes Project 0.00100; 1000 Genomes Project 30x 0.00141.
gnomAD v4.1: 544 of 1,614,216 alleles (0.034%); highest among the groups gnomAD compares: South Asian, 0.57%; 3 homozygotes.

Submissions (6):

Labcorp Genetics (formerly Invitae), Labcorp
Classification: Benign. Last evaluated: 2025-10-14. Review status: criteria provided, single submitter. Criteria: Invitae Variant Classification Sherloc (09022015). Collection method: clinical testing. Allele origin: germline.

Blueprint Genetics
Classification: Likely benign. Last evaluated: 2024-11-19. Review status: criteria provided, single submitter. Criteria: ACMG Guidelines, 2015. Collection method: clinical testing. Allele origin: germline.

Illumina Laboratory Services, Illumina
Classification: Uncertain significance for Cone-rod dystrophy 15. Last evaluated: 2018-01-12. Review status: criteria provided, single submitter. Criteria: ICSL Variant Classification Criteria 13 December 2019. Collection method: clinical testing. Allele origin: germline.

PreventionGenetics, part of Exact Sciences
Classification: Likely benign for CDHR1-related condition. Last evaluated: 2020-04-17. Review status: no assertion criteria provided. Collection method: clinical testing. Allele origin: germline. Not counted in ClinVar's aggregate classification.
Comment: This variant is classified as likely benign based on ACMG/AMP sequence variant interpretation guidelines (Richards et al. 2015 PMID: 25741868, with internal and published modifications).

Clinical Genetics DNA and cytogenetics Diagnostics Lab, Erasmus MC, Erasmus Medical Center
Classification: Likely benign. Review status: no assertion criteria provided. Collection method: clinical testing. Allele origin: germline. Affected: yes. Study: VKGL Data-share Consensus. Not counted in ClinVar's aggregate classification.

Clinical Genetics, Academic Medical Center
Classification: Benign. Review status: no assertion criteria provided. Collection method: clinical testing. Allele origin: germline. Affected: yes. Study: VKGL Data-share Consensus. Not counted in ClinVar's aggregate classification.